The following is an entry in ClinVar:

NM_016169.4(SUFU):c.1012G>A (p.Asp338Asn)

Gene: SUFU (SUFU negative regulator of hedgehog signaling; plus strand). Cytogenetic location: 10q24.32.
Variant type: single nucleotide variant.
Coding change: c.1012G>A on transcript NM_016169.4 (MANE Select); coding-DNA position 1012, G replaced by A.
Protein change: p.Asp338Asn; replaces aspartic acid 338 with asparagine.
Molecular consequence: missense variant.
Genome position (GRCh38, 1-based): chr10:102,599,534, G>A. VCF-style: chr10-102599534-G-A. GRCh37 (hg19) VCF-style: chr10-104359291-G-A.
Other names: c.1012G>A, p.Asp338Asn (NM_001178133.2); short protein forms D338N.
Identifiers: ClinVar variation 821982 (VCV000821982.14), dbSNP rs145082320, ClinGen allele CA5667838.
Genomic context (GRCh38, chr10:102,599,534, plus strand): 5'-ATCAACAGCAAACCTGTCCTTCCACCAATCAACCCTCAGCGGCAGAATGGCCTCGCCCAC[G>A]ACCGGGCCCCGTAAGTTCCCCAGTGTCCCTGGGCTGGAACAAGAGGACGACTTTTTTCTG-3'
Protein context (NP_057253.2, residues 328-348): NPQRQNGLAH[Asp338Asn]RAPSRKDSLE

ClinVar aggregate classification (germline): Conflicting classifications of pathogenicity. Review status: criteria provided, conflicting classifications (1 of 4 stars). 2 submissions from 2 submitters: Uncertain significance (1); Likely benign (1). Last evaluated 2025-11-10.

Conditions:
Gorlin syndrome. Also called: Nevoid Basal Cell Carcinoma Syndrome; Basal cell nevus syndrome. Identifiers: Orphanet 377, MedGen C0004779, MONDO:0007187.
Medulloblastoma (MDB). Also called: Medulloblastoma, somatic; MEDULLOBLASTOMA PREDISPOSITION SYNDROME. Identifiers: Orphanet 616, MedGen C0025149, MeSH D008527, MONDO:0007959, OMIM 155255, HP:0002885.
Hereditary cancer-predisposing syndrome. Also called: Hereditary Cancer Syndrome; Neoplastic Syndromes, Hereditary; Hereditary neoplastic syndrome; Tumor predisposition. Identifiers: Orphanet 140162, MedGen C0027672, MeSH D009386, MONDO:0015356.

Allele frequency attached by ClinVar (database versions not stated): ExAC 0.00001; TOPMed 0.00002; ESP Exome Variant Server 0.00015.
gnomAD v4.1: 2 of 1,614,072 alleles (0.00012%); highest among the groups gnomAD compares: Non-Finnish European, 0.00017%; no homozygotes.

Submissions (2):

Labcorp Genetics (formerly Invitae), Labcorp
Classification: Uncertain significance for Gorlin syndrome; Medulloblastoma. Last evaluated: 2025-11-10. Review status: criteria provided, single submitter. Criteria: Invitae Variant Classification Sherloc (09022015). Collection method: clinical testing. Allele origin: germline.
Comment: This sequence change replaces aspartic acid, which is acidic and polar, with asparagine, which is neutral and polar, at codon 338 of the SUFU protein (p.Asp338Asn). This variant is present in population databases (rs145082320, gnomAD 0.0009%). This variant has not been reported in the literature in individuals affected with SUFU-related conditions. ClinVar contains an entry for this variant (Variation ID: 821982). Invitae Evidence Modeling of protein sequence and biophysical properties (such as structural, functional, and spatial information, amino acid conservation, physicochemical variation, residue mobility, and thermodynamic stability) indicates that this missense variant is not expected to disrupt SUFU protein function with a negative predictive value of 80%. In summary, the available evidence is currently insufficient to determine the role of this variant in disease. Therefore, it has been classified as a Variant of Uncertain Significance.

Ambry Genetics
Classification: Likely benign for Hereditary cancer-predisposing syndrome. Last evaluated: 2023-12-14. Review status: criteria provided, single submitter. Criteria: Ambry Variant Classification Scheme 2023. Collection method: clinical testing. Allele origin: germline.